The following is an entry in ClinVar:

NM_001080770.2(KIR2DL4):c.735G>C (p.Ala245=)

Gene: KIR2DL4 (killer cell immunoglobulin like receptor, two Ig domains and long cytoplasmic tail 4). Cytogenetic location: 19q13.42.
Variant type: single nucleotide variant.
Coding change: c.735G>C on transcript NM_001080770.2 (MANE Select); coding-DNA position 735, G replaced by C.
Protein change: p.Ala245=; no amino-acid change (alanine 245 retained).
Molecular consequence: synonymous variant. On other transcripts: 3 prime UTR variant (1).
Genome position (GRCh38, 1-based): chr19:54,813,718, G>C. VCF-style: chr19-54813718-G-C. GRCh37 (hg19) VCF-style: chr19-55325173-G-C.
Other names: c.*17G>C (NM_001080772.2).
Identifiers: ClinVar variation 2650479 (VCV002650479.24), dbSNP rs187597433, ClinGen allele CA2343077709.

ClinVar aggregate classification (germline): Likely benign (1 of 4 stars; one submission).

Submission:

CeGaT Center for Human Genetics Tuebingen
Classification: Likely benign. Last evaluated: 2025-03-01. Review status: criteria provided, single submitter. Criteria: CeGaT Center For Human Genetics Tuebingen Variant Classification Criteria Version 2. Collection method: clinical testing. Allele origin: germline. Affected: yes. Observed: 2 variant alleles.
Comment: KIR2DL4: BP4, BP7